The following is an entry in ClinVar:

ClinVar aggregate classification (germline): Uncertain significance (1 of 4 stars; one submission).

Conditions:
Gorlin syndrome. Also called: Nevoid Basal Cell Carcinoma Syndrome; Basal cell nevus syndrome. Identifiers: Orphanet 377, MedGen C0004779, MONDO:0007187.

Submission:

Labcorp Genetics (formerly Invitae), Labcorp
Classification: Uncertain significance for Gorlin syndrome. Last evaluated: 2022-10-11. Review status: criteria provided, single submitter. Criteria: Invitae Variant Classification Sherloc (09022015). Collection method: clinical testing. Allele origin: germline.
Comment: Advanced modeling of protein sequence and biophysical properties (such as structural, functional, and spatial information, amino acid conservation, physicochemical variation, residue mobility, and thermodynamic stability) performed at Invitae indicates that this missense variant is not expected to disrupt PTCH1 protein function. This variant has not been reported in the literature in individuals affected with PTCH1-related conditions. This variant is not present in population databases (gnomAD no frequency). This sequence change replaces histidine, which is basic and polar, with proline, which is neutral and non-polar, at codon 1240 of the PTCH1 protein (p.His1240Pro). In summary, the available evidence is currently insufficient to determine the role of this variant in disease. Therefore, it has been classified as a Variant of Uncertain Significance.

NM_000264.5(PTCH1):c.3719A>C (p.His1240Pro)

Gene: PTCH1 (patched 1; minus strand). Cytogenetic location: 9q22.32.
Variant type: single nucleotide variant.
Coding change: c.3719A>C on transcript NM_000264.5 (MANE Select); coding-DNA position 3719, A replaced by C.
Protein change: p.His1240Pro; replaces histidine 1240 with proline.
Molecular consequence: missense variant. On other transcripts: non-coding transcript variant (1).
Genome position (GRCh38, 1-based): chr9:95,449,154, T>G on the plus strand (A>C on the coding strand, the complement: PTCH1 is on the minus strand). VCF-style: chr9-95449154-T-G. GRCh37 (hg19) VCF-style: chr9-98211436-T-G.
Other names: c.3521A>C, p.His1174Pro (NM_001083602.3); c.3716A>C, p.His1239Pro (NM_001083603.3); c.3266A>C, p.His1089Pro (NM_001083604.3, NM_001083605.3, NM_001083606.3 and 1 more transcripts); c.3563A>C, p.His1188Pro (NM_001354918.2); short protein forms H1089P, H1174P, H1240P, H1188P, H1239P.
Identifiers: ClinVar variation 2854453 (VCV002854453.3), dbSNP rs2136598473, ClinGen allele CA374111077.
Genomic context (GRCh38, chr9:95,449,154, plus strand): 5'-TCTGTGGCTTCCACGATCACTTGGTGGGCAGGGCCTCCCGCGCCCTGCTGGGCCTCGTAG[T>G]GCCGAAGCTCCTCGCTGAGGCCTGACACTGTCGTCTGGGAACTATACTCCGAGTCGGAGG-3'
Protein context (NP_000255.2, residues 1230-1250): TVSGLSEELR[His1240Pro]YEAQQGAGGP